The following is an entry in ClinVar:

NM_014849.5(SV2A):c.-348G>T

Genes: SV2A (synaptic vesicle glycoprotein 2A; minus strand), LOC129931381 (ATAC-STARR-seq lymphoblastoid silent region 1290; plus strand). Cytogenetic location: 1q21.2.
Variant type: single nucleotide variant.
Coding change: c.-348G>T on transcript NM_014849.5 (MANE Select); 348 bases upstream of the start codon, G replaced by T.
Molecular consequence: 5 prime UTR variant.
Genome position (GRCh38, 1-based): chr1:149,917,739, C>A on the plus strand (G>T on the coding strand, the complement: SV2A is on the minus strand). VCF-style: chr1-149917739-C-A. GRCh37 (hg19) VCF-style: chr1-149889291-C-A.
Other names: c.-174G>T (NM_001328674.2); c.-130G>T (NM_001328675.2).
Identifiers: ClinVar variation 4874289 (VCV004874289.2).

ClinVar aggregate classification (germline): Uncertain significance (1 of 4 stars; one submission).

Submission:

CeGaT Center for Human Genetics Tuebingen
Classification: Uncertain significance. Last evaluated: 2026-05-01. Review status: criteria provided, single submitter. Criteria: CeGaT Center For Human Genetics Tuebingen Variant Classification Criteria Version 2. Collection method: clinical testing. Allele origin: germline. Affected: yes. Observed: 1 variant allele.
Comment: SV2A: PM2